The following is an entry in ClinVar:

NM_004946.3(DOCK2):c.278C>T (p.Thr93Met)

Gene: DOCK2 (dedicator of cytokinesis 2; plus strand). Cytogenetic location: 5q35.1.
Variant type: single nucleotide variant.
Coding change: c.278C>T on transcript NM_004946.3 (MANE Select); coding-DNA position 278, C replaced by T.
Protein change: p.Thr93Met; replaces threonine 93 with methionine.
Molecular consequence: missense variant. On other transcripts: non-coding transcript variant (1).
Genome position (GRCh38, 1-based): chr5:169,671,131, C>T. VCF-style: chr5-169671131-C-T. GRCh37 (hg19) VCF-style: chr5-169098135-C-T.
Other names: short protein forms T93M.
Identifiers: ClinVar variation 1025391 (VCV001025391.5), dbSNP rs138714263, ClinGen allele CA3553124.

ClinVar aggregate classification (germline): Uncertain significance. Review status: criteria provided, multiple submitters, no conflicts (2 of 4 stars). 2 submissions from 2 submitters: Uncertain significance (2). Last evaluated 2024-10-17.

Conditions:
DOCK2 deficiency. Also called: Immunodeficiency 40. Identifiers: Orphanet 447737, MedGen C4225328, MONDO:0014637, OMIM 616433.

Allele frequency attached by ClinVar (database versions not stated): gnomAD exomes 0.00003; ExAC 0.00004; gnomAD 0.00007 and 0.00008; TOPMed 0.00008; ESP Exome Variant Server 0.00015.
gnomAD v4.1: 56 of 1,613,840 alleles (0.0035%); highest among the groups gnomAD compares: African/African-American, 0.0093%; no homozygotes.

Submissions (2):

Blueprint Genetics
Classification: Uncertain significance. Last evaluated: 2024-10-17. Review status: criteria provided, single submitter. Criteria: ACMG Guidelines, 2015. Collection method: clinical testing. Allele origin: germline.

Labcorp Genetics (formerly Invitae), Labcorp
Classification: Uncertain significance for DOCK2 deficiency. Last evaluated: 2022-10-09. Review status: criteria provided, single submitter. Criteria: Invitae Variant Classification Sherloc (09022015). Collection method: clinical testing. Allele origin: germline.
Comment: This sequence change replaces threonine, which is neutral and polar, with methionine, which is neutral and non-polar, at codon 93 of the DOCK2 protein (p.Thr93Met). This variant is present in population databases (rs138714263, gnomAD 0.008%). This variant has not been reported in the literature in individuals affected with DOCK2-related conditions. ClinVar contains an entry for this variant (Variation ID: 1025391). Algorithms developed to predict the effect of missense changes on protein structure and function output the following: SIFT: "Tolerated"; PolyPhen-2: "Benign"; Align-GVGD: "Class C0". The methionine amino acid residue is found in multiple mammalian species, which suggests that this missense change does not adversely affect protein function. Algorithms developed to predict the effect of sequence changes on RNA splicing suggest that this variant may disrupt the consensus splice site. In summary, the available evidence is currently insufficient to determine the role of this variant in disease. Therefore, it has been classified as a Variant of Uncertain Significance.